The following is an entry in ClinVar:

NM_001378778.1(MPDZ):c.2077A>G (p.Met693Val)

Gene: MPDZ (multiple PDZ domain crumbs cell polarity complex component; minus strand). Cytogenetic location: 9p23.
Variant type: single nucleotide variant.
Coding change: c.2077A>G on transcript NM_001378778.1 (MANE Select); coding-DNA position 2077, A replaced by G.
Protein change: p.Met693Val; replaces methionine 693 with valine.
Molecular consequence: missense variant.
Genome position (GRCh38, 1-based): chr9:13,190,191, T>C on the plus strand (A>G on the coding strand, the complement: MPDZ is on the minus strand). VCF-style: chr9-13190191-T-C. GRCh37 (hg19) VCF-style: chr9-13190190-T-C.
Other names: c.2077A>G, p.Met693Val (NM_001261406.2, NM_001261407.2, NM_001330637.2 and 14 more transcripts); short protein forms M693V.
Identifiers: ClinVar variation 1398388 (VCV001398388.3), dbSNP rs775983215, ClinGen allele CA4987570.

ClinVar aggregate classification (germline): Uncertain significance (1 of 4 stars; one submission).

Allele frequency attached by ClinVar (database versions not stated): TOPMed 0.00002; ExAC 0.00003; gnomAD 0.00003; gnomAD exomes 0.00003 and 0.00004.
gnomAD v4.1: 57 of 1,613,212 alleles (0.0035%); highest among the groups gnomAD compares: Non-Finnish European, 0.0045%; no homozygotes.

Submission:

Labcorp Genetics (formerly Invitae), Labcorp
Classification: Uncertain significance. Last evaluated: 2022-07-01. Review status: criteria provided, single submitter. Criteria: Invitae Variant Classification Sherloc (09022015). Collection method: clinical testing. Allele origin: germline.
Comment: This sequence change replaces methionine, which is neutral and non-polar, with valine, which is neutral and non-polar, at codon 693 of the MPDZ protein (p.Met693Val). This variant is present in population databases (rs775983215, gnomAD 0.006%). This variant has not been reported in the literature in individuals affected with MPDZ-related conditions. ClinVar contains an entry for this variant (Variation ID: 1398388). Algorithms developed to predict the effect of missense changes on protein structure and function are either unavailable or do not agree on the potential impact of this missense change (SIFT: "Deleterious"; PolyPhen-2: "Possibly Damaging"; Align-GVGD: "Class C15"). In summary, the available evidence is currently insufficient to determine the role of this variant in disease. Therefore, it has been classified as a Variant of Uncertain Significance.